The following is an entry in ClinVar:

ClinVar aggregate classification (germline): Likely benign. Review status: criteria provided, multiple submitters, no conflicts (2 of 4 stars). 2 submissions from 2 submitters: Likely benign (2). Last evaluated 2023-01-27.

Conditions:
Methylcobalamin deficiency type cblE (HMAE). Also called: HOMOCYSTINURIA-MEGALOBLASTIC ANEMIA, cblE COMPLEMENTATION TYPE; HOMOCYSTINURIA-MEGALOBLASTIC ANEMIA, cblE TYPE; VITAMIN B12-RESPONSIVE HOMOCYSTINURIA, cblE TYPE. Identifiers: Orphanet 2169, Orphanet 622, MedGen C1856057, MONDO:0009354, OMIM 236270.

Allele frequency attached by ClinVar (database versions not stated): gnomAD 0.00001; gnomAD exomes 0.00001; TOPMed 0.00002.
gnomAD v4.1: 13 of 1,613,856 alleles (0.00081%); highest among the groups gnomAD compares: African/African-American, 0.0027%; no homozygotes.

Submissions (2):

Labcorp Genetics (formerly Invitae), Labcorp
Classification: Likely benign for Methylcobalamin deficiency type cblE. Last evaluated: 2023-01-27. Review status: criteria provided, single submitter. Criteria: Invitae Variant Classification Sherloc (09022015). Collection method: clinical testing. Allele origin: germline.

GeneDx
Classification: Likely benign. Last evaluated: 2017-07-26. Review status: criteria provided, single submitter. Criteria: GeneDx Variant Classification (06012015). Collection method: clinical testing. Allele origin: germline. Affected: yes.
Comment: This variant is considered likely benign or benign based on one or more of the following criteria: it is a conservative change, it occurs at a poorly conserved position in the protein, it is predicted to be benign by multiple in silico algorithms, and/or has population frequency not consistent with disease.

NM_002454.3(MTRR):c.2052C>T (p.Ala684=)

Gene: MTRR (5-methyltetrahydrofolate-homocysteine methyltransferase reductase; plus strand). Cytogenetic location: 5p15.31.
Variant type: single nucleotide variant.
Coding change: c.2052C>T on transcript NM_002454.3 (MANE Select); coding-DNA position 2052, C replaced by T.
Protein change: p.Ala684=; no amino-acid change (alanine 684 retained).
Molecular consequence: synonymous variant. On other transcripts: non-coding transcript variant (14).
Genome position (GRCh38, 1-based): chr5:7,900,013, C>T. VCF-style: chr5-7900013-C-T. GRCh37 (hg19) VCF-style: chr5-7900126-C-T.
Other names: c.2052C>T, p.Ala684= (NM_001364440.2, NM_001364441.2, NM_001364442.2 and 1 more transcripts).
Identifiers: ClinVar variation 510744 (VCV000510744.9), dbSNP rs1427160228, ClinGen allele CA443131458.